The following is an entry in ClinVar:

NM_019892.6(INPP5E):c.1034+2T>A

Gene: INPP5E (inositol polyphosphate-5-phosphatase E; minus strand). Cytogenetic location: 9q34.3.
Variant type: single nucleotide variant.
Coding change: c.1034+2T>A on transcript NM_019892.6 (MANE Select); the canonical splice donor site of the intron after coding-DNA position 1034, T replaced by A.
Molecular consequence: splice donor variant.
Genome position (GRCh38, 1-based): chr9:136,434,035, A>T on the plus strand (T>A on the coding strand, the complement: INPP5E is on the minus strand). VCF-style: chr9-136434035-A-T. GRCh37 (hg19) VCF-style: chr9-139328487-A-T.
Other names: c.1034+2T>A (NM_001318502.2).
Identifiers: ClinVar variation 3726238 (VCV003726238.2).
Genomic context (GRCh38, chr9:136,434,035, plus strand): 5'-ACCCAGCTGCTTCAGAGACGGCAGCCCCTGGGCAGGCACTGCAGGGCCTGCAGCCGCCCT[A>T]CCTGTCAGAACAGCCCTCCTGGACCCCGATGACATACAGGTCCTGGGCATAGTCGGCCTC-3'

ClinVar aggregate classification (germline): Likely pathogenic (1 of 4 stars; one submission).

Conditions:
Joubert syndrome. Also called: CEREBELLOPARENCHYMAL DISORDER IV; JOUBERT-BOLTSHAUSER SYNDROME; Familial aplasia of the vermis. Identifiers: Orphanet 475, MedGen C5979921, MONDO:0018772.

Submission:

Labcorp Genetics (formerly Invitae), Labcorp
Classification: Likely pathogenic for Joubert syndrome. Last evaluated: 2024-11-27. Review status: criteria provided, single submitter. Criteria: Invitae Variant Classification Sherloc (09022015). Collection method: clinical testing. Allele origin: germline.
Comment: This sequence change affects a donor splice site in intron 3 of the INPP5E gene. It is expected to disrupt RNA splicing. Variants that disrupt the donor or acceptor splice site typically lead to a loss of protein function (PMID: 16199547), and loss-of-function variants in INPP5E are known to be pathogenic (PMID: 19668216, 23034536, 23386033, 28125082). This variant is not present in population databases (gnomAD no frequency). This variant has not been reported in the literature in individuals affected with INPP5E-related conditions. Algorithms developed to predict the effect of sequence changes on RNA splicing suggest that this variant may disrupt the consensus splice site. In summary, the currently available evidence indicates that the variant is pathogenic, but additional data are needed to prove that conclusively. Therefore, this variant has been classified as Likely Pathogenic.

Literature cited by the submitters: PubMed 16199547; PubMed 19668216; PubMed 23034536; PubMed 23386033; PubMed 28125082.